The following is an entry in ClinVar:

NM_001040108.2(MLH3):c.885del (p.His296fs)

Gene: MLH3 (mutL homolog 3; minus strand). Cytogenetic location: 14q24.3.
Variant type: Deletion.
Coding change: c.885del on transcript NM_001040108.2 (MANE Select); coding-DNA position 885, one base deleted (G; older notation c.885delG).
Protein change: p.His296fs; shifts the reading frame from histidine 296.
Molecular consequence: frameshift variant.
Genome position (GRCh38, 1-based): chr14:75,048,771, C deleted on the plus strand (G on the coding strand, the reverse complement: MLH3 is on the minus strand); the first of 2 consecutive C bases (chr14:75,048,771-75,048,772); deleting either gives the same sequence. VCF-style (leftmost placement, unchanged base first): chr14-75048770-GC-G. GRCh37 (hg19) VCF-style: chr14-75515473-GC-G.
Other names: c.885delG (NM_001040108.1); c.885del, p.His296fs (NM_014381.3); short protein forms H296fs.
Identifiers: ClinVar variation 5563 (VCV000005563.10), dbSNP rs1431264077, ClinGen allele CA615194128.

ClinVar aggregate classification (germline): Conflicting classifications of pathogenicity. Review status: criteria provided, conflicting classifications (1 of 4 stars). 5 submissions from 4 submitters: Pathogenic (2); Uncertain significance (1). 2 of the submissions do not count toward it. Last evaluated 2026-05-28.

Conditions:
Colorectal cancer, hereditary nonpolyposis, type 7. Identifiers: Orphanet 144, MedGen C1858380, MONDO:0013725, OMIM 614385.
Endometrial cancer. Also called: Endometrial cancer, somatic; malignant endometrial neoplasm. Identifiers: MedGen C0007103, MONDO:0011962.

Submissions (5):

Ambry Genetics
Classification: Pathogenic. Last evaluated: 2026-05-28. Review status: criteria provided, single submitter. Criteria: Ambry Variant Classification Scheme 2023. Collection method: clinical testing. Allele origin: germline.
Comment: The c.885delG variant, located in coding exon 1 of the MLH3 gene, results from a deletion of one nucleotide at nucleotide position 885, causing a translational frameshift with a predicted alternate stop codon (p.H296Tfs*12). This variant is considered to be rare based on population cohorts in the Genome Aggregation Database (gnomAD). This alteration is expected to result in loss of function by premature protein truncation or nonsense-mediated mRNA decay. As such, this alteration is interpreted as a disease-causing mutation.

Myriad Genetics, Inc.
Classification: Pathogenic for Colorectal cancer, hereditary nonpolyposis, type 7. Last evaluated: 2025-11-19. Review status: criteria provided, single submitter. Criteria: Myriad Autosomal Dominant, Autosomal Recessive and X-Linked Classification Criteria (2023). Collection method: clinical testing. Allele origin: unknown.
Comment: This variant is considered pathogenic. This variant creates a frameshift predicted to result in premature protein truncation.

Labcorp Genetics (formerly Invitae), Labcorp
Classification: Uncertain significance for Colorectal cancer, hereditary nonpolyposis, type 7. Last evaluated: 2023-08-14. Review status: criteria provided, single submitter. Criteria: Invitae Variant Classification Sherloc (09022015). Collection method: clinical testing. Allele origin: germline.
Comment: This sequence change creates a premature translational stop signal (p.His296Thrfs*12) in the MLH3 gene. It is expected to result in an absent or disrupted protein product. However, the current clinical and genetic evidence is not sufficient to establish whether loss-of-function variants in MLH3 cause disease. This variant is present in population databases (no rsID available, gnomAD 0.0009%). This premature translational stop signal has been observed in individual(s) with clinical features of Lynch syndrome (PMID: 12702580, 31297992). ClinVar contains an entry for this variant (Variation ID: 5563). In summary, the available evidence is currently insufficient to determine the role of this variant in disease. Therefore, it has been classified as a Variant of Uncertain Significance.

OMIM
Classification: Pathogenic for COLORECTAL CANCER, HEREDITARY NONPOLYPOSIS, TYPE 7. Last evaluated: 2003-04-15. Review status: no assertion criteria provided. Collection method: literature only. Allele origin: germline. Not counted in ClinVar's aggregate classification.

OMIM
Classification: Pathogenic for ENDOMETRIAL CANCER. Last evaluated: 2003-04-15. Review status: no assertion criteria provided. Collection method: literature only. Allele origin: germline. Not counted in ClinVar's aggregate classification.

Literature cited by the submitters: PubMed 12702580 (cited by Labcorp Genetics (formerly Invitae), Labcorp and OMIM); PubMed 31297992 (cited by Labcorp Genetics (formerly Invitae), Labcorp).